The following is an entry in ClinVar:

ClinVar aggregate classification (germline): Likely pathogenic (1 of 4 stars; one submission).

Conditions:
Autosomal recessive nonsyndromic hearing loss 3. Also called: NEUROSENSORY NONSYNDROMIC RECESSIVE DEAFNESS 3. Identifiers: Orphanet 90636, MedGen C1838263, MONDO:0010860, OMIM 600316.

Submission:

Institute of Rare Diseases, West China Hospital, Sichuan University
Classification: Likely pathogenic for Autosomal recessive nonsyndromic hearing loss 3. Last evaluated: 2025-01-09. Review status: criteria provided, single submitter. Criteria: ClinGen HL ACMG Specifications v1. Collection method: research. Allele origin: germline. Affected: yes.
Comment: PM3_Strong;PM2_Supporting;PP3

NM_016239.4(MYO15A):c.8561T>G (p.Val2854Gly)

Gene: MYO15A (myosin XVA; plus strand). Cytogenetic location: 17p11.2.
Variant type: single nucleotide variant.
Coding change: c.8561T>G on transcript NM_016239.4 (MANE Select); coding-DNA position 8561, T replaced by G.
Protein change: p.Val2854Gly; replaces valine 2854 with glycine.
Molecular consequence: missense variant.
Genome position (GRCh38, 1-based): chr17:18,156,296, T>G. VCF-style: chr17-18156296-T-G. GRCh37 (hg19) VCF-style: chr17-18059610-T-G.
Other names: short protein forms V2854G.
Identifiers: ClinVar variation 3601403 (VCV003601403.1).
Genomic context (GRCh38, chr17:18,156,296, plus strand): 5'-TGCTGGAGTTCAACCTGGCCAGTGAGAAGGTCATCCTCTTCTCAGCCCGAGCGCACCAGG[T>G]CAAGACCCTGGTAGATGACTTCATCTTGGAGCTGAAGAAGGTCAGGATCTTCTCACAGAT-3'
Protein context (NP_057323.3, residues 2844-2864): VILFSARAHQ[Val2854Gly]KTLVDDFILE